The following is an entry in ClinVar:

NM_000127.3(EXT1):c.1383T>G (p.Tyr461Ter)

Gene: EXT1 (exostosin glycosyltransferase 1; minus strand). Cytogenetic location: 8q24.11.
Variant type: single nucleotide variant.
Coding change: c.1383T>G on transcript NM_000127.3 (MANE Select); coding-DNA position 1383, T replaced by G.
Protein change: p.Tyr461Ter; replaces tyrosine 461 with a stop codon.
Molecular consequence: nonsense.
Genome position (GRCh38, 1-based): chr8:117,822,499, A>C on the plus strand (T>G on the coding strand, the complement: EXT1 is on the minus strand). VCF-style: chr8-117822499-A-C. GRCh37 (hg19) VCF-style: chr8-118834738-A-C.
Other names: short protein forms Y461*.
Identifiers: ClinVar variation 4767478 (VCV004767478.1).

ClinVar aggregate classification (germline): Pathogenic (1 of 4 stars; one submission).

Conditions:
Multiple congenital exostosis (EXT). Also called: Multiple osteochondromas; MULTIPLE CARTILAGINOUS EXOSTOSES; Hereditary multiple osteochondromas; Hereditary multiple exostoses; Hereditary multiple exostosis; Multiple exostoses. Identifiers: Orphanet 321, MedGen C0015306, MONDO:0005508, HP:0002762.

Submission:

Labcorp Genetics (formerly Invitae), Labcorp
Classification: Pathogenic for Multiple congenital exostosis. Last evaluated: 2025-10-19. Review status: criteria provided, single submitter. Criteria: Invitae Variant Classification Sherloc (09022015). Collection method: clinical testing. Allele origin: germline.
Comment: This sequence change creates a premature translational stop signal (p.Tyr461*) in the EXT1 gene. It is expected to result in an absent or disrupted protein product. Loss-of-function variants in EXT1 are known to be pathogenic (PMID: 10679937, 11391482, 19810120). This variant is not present in population databases (gnomAD no frequency). This premature translational stop signal has been observed in individual(s) with hereditary multiple osteochondromatosis (PMID: 37317574). For these reasons, this variant has been classified as Pathogenic.

Literature cited by the submitters: PubMed 10679937; PubMed 11391482; PubMed 19810120; PubMed 37317574.